The following is an entry in ClinVar:

ClinVar aggregate classification (germline): Uncertain significance. Review status: criteria provided, multiple submitters, no conflicts (2 of 4 stars). 2 submissions from 2 submitters: Uncertain significance (2). Last evaluated 2026-03-11.

Conditions:
Inborn genetic diseases. Identifiers: MedGen C0950123, MeSH D030342.

gnomAD v4.1: 3 of 1,503,310 alleles (0.0002%); highest among the groups gnomAD compares: South Asian, 0.0012%; no homozygotes.

Submissions (2):

Ambry Genetics
Classification: Uncertain significance for Inborn genetic diseases. Last evaluated: 2026-03-11. Review status: criteria provided, single submitter. Criteria: Ambry Variant Classification Scheme 2023. Collection method: clinical testing. Allele origin: germline.
Comment: The p.H265R variant (also known as c.794A>G), located in coding exon 1 of the SMAD6 gene, results from an A to G substitution at nucleotide position 794. The histidine at codon 265 is replaced by arginine, an amino acid with highly similar properties. This amino acid position is conserved. In addition, this alteration is predicted to be deleterious by in silico analysis. Based on the available evidence, the clinical significance of this variant remains unclear.

GeneDx
Classification: Uncertain significance. Last evaluated: 2025-02-19. Review status: criteria provided, single submitter. Criteria: GeneDx Variant Classification Process June 2021. Collection method: clinical testing. Allele origin: germline. Affected: yes.
Comment: Not observed at significant frequency in large population cohorts (gnomAD); In silico analysis supports that this missense variant has a deleterious effect on protein structure/function; Has not been previously published as pathogenic or benign to our knowledge

NM_005585.5(SMAD6):c.794A>G (p.His265Arg)

Gene: SMAD6 (SMAD family member 6; plus strand). Cytogenetic location: 15q22.31.
Variant type: single nucleotide variant.
Coding change: c.794A>G on transcript NM_005585.5 (MANE Select); coding-DNA position 794, A replaced by G.
Protein change: p.His265Arg; replaces histidine 265 with arginine.
Molecular consequence: missense variant. On other transcripts: non-coding transcript variant (1).
Genome position (GRCh38, 1-based): chr15:66,704,052, A>G. VCF-style: chr15-66704052-A-G. GRCh37 (hg19) VCF-style: chr15-66996390-A-G.
Other names: short protein forms H265R.
Identifiers: ClinVar variation 4076860 (VCV004076860.2).